The following is an entry in ClinVar:

NM_000152.5(GAA):c.2307G>C (p.Leu769Phe)

Gene: GAA (alpha glucosidase; plus strand). Cytogenetic location: 17q25.3.
Variant type: single nucleotide variant.
Coding change: c.2307G>C on transcript NM_000152.5 (MANE Select); coding-DNA position 2307, G replaced by C.
Protein change: p.Leu769Phe; replaces leucine 769 with phenylalanine.
Molecular consequence: missense variant.
Genome position (GRCh38, 1-based): chr17:80,117,085, G>C. VCF-style: chr17-80117085-G-C. GRCh37 (hg19) VCF-style: chr17-78090884-G-C.
Other names: c.2307G>C, p.Leu769Phe (NM_001079803.3, NM_001079804.3); c.2307G>C (LRG_673t1); short protein forms L769F.
Identifiers: ClinVar variation 325791 (VCV000325791.24), dbSNP rs372800172, ClinGen allele CA8815683.
Genomic context (GRCh38, chr17:80,117,085, plus strand): 5'-CCTGCTCATCACCCCAGTGCTCCAGGCCGGGAAGGCCGAAGTGACTGGCTACTTCCCCTT[G>C]GGCACATGGTACGACCTGCAGACGGTGAGTCTGGGGACCCTAAGCCCTGGGGAGACGGGA-3'
Protein context (NP_000143.2, residues 759-779): GKAEVTGYFP[Leu769Phe]GTWYDLQTVP

ClinVar aggregate classification (germline): Uncertain significance. Review status: criteria provided, multiple submitters, no conflicts (2 of 4 stars). 8 submissions from 8 submitters: Uncertain significance (7). 1 of the submissions does not count toward it. Last evaluated 2025-08-09.

Conditions:
Glycogen storage disease, type II (IOPD). Also called: Glucosidase acid-1,4-alpha deficiency; Pompe Disease; GLYCOGENOSIS, GENERALIZED, CARDIAC FORM; GSD II; Glycogen storage disease type 2; Acid maltase deficiency disease. Identifiers: Orphanet 365, MedGen C0017921, MONDO:0009290, OMIM 232300.
Cardiovascular phenotype. Identifiers: MedGen CN230736.

Allele frequency attached by ClinVar (database versions not stated): ESP Exome Variant Server 0.00008; TOPMed 0.00011.
gnomAD v4.1: 169 of 1,612,992 alleles (0.01%); highest among the groups gnomAD compares: Non-Finnish European, 0.013%; no homozygotes.

Submissions (8):

Ambry Genetics
Classification: Uncertain significance for Cardiovascular phenotype. Last evaluated: 2025-08-09. Review status: criteria provided, single submitter. Criteria: Ambry Variant Classification Scheme 2023. Collection method: clinical testing. Allele origin: germline.
Comment: The p.L769F variant (also known as c.2307G>C), located in coding exon 15 of the GAA gene, results from a G to C substitution at nucleotide position 2307. The leucine at codon 769 is replaced by phenylalanine, an amino acid with highly similar properties. This amino acid position is conserved. In addition, this alteration is predicted to be tolerated by in silico analysis. Since supporting evidence is limited at this time, the clinical significance of this alteration remains unclear.

GeneDx
Classification: Uncertain significance. Last evaluated: 2024-04-30. Review status: criteria provided, single submitter. Criteria: GeneDx Variant Classification Process June 2021. Collection method: clinical testing. Allele origin: germline.
Comment: Has not been previously published as pathogenic or benign to our knowledge; Not observed at significant frequency in large population cohorts (gnomAD); In silico analysis indicates that this missense variant does not alter protein structure/function; This variant is associated with the following publications: (PMID: 19343043, 22253258)

Blueprint Genetics
Classification: Uncertain significance. Last evaluated: 2024-02-22. Review status: criteria provided, single submitter. Criteria: ACMG Guidelines, 2015. Collection method: clinical testing. Allele origin: germline.

Labcorp Genetics (formerly Invitae), Labcorp
Classification: Uncertain significance for Glycogen storage disease, type II. Last evaluated: 2022-08-12. Review status: criteria provided, single submitter. Criteria: Invitae Variant Classification Sherloc (09022015). Collection method: clinical testing. Allele origin: germline.
Comment: This sequence change replaces leucine, which is neutral and non-polar, with phenylalanine, which is neutral and non-polar, at codon 769 of the GAA protein (p.Leu769Phe). This variant is present in population databases (rs372800172, gnomAD 0.006%). This variant has not been reported in the literature in individuals affected with GAA-related conditions. ClinVar contains an entry for this variant (Variation ID: 325791). Advanced modeling of protein sequence and biophysical properties (such as structural, functional, and spatial information, amino acid conservation, physicochemical variation, residue mobility, and thermodynamic stability) performed at Invitae indicates that this missense variant is not expected to disrupt GAA protein function. In summary, the available evidence is currently insufficient to determine the role of this variant in disease. Therefore, it has been classified as a Variant of Uncertain Significance.

Genome-Nilou Lab
Classification: Uncertain significance for Glycogen storage disease, type II. Last evaluated: 2021-09-05. Review status: criteria provided, single submitter. Criteria: ACMG Guidelines, 2015. Collection method: clinical testing. Allele origin: germline. Affected: no.

Revvity Omics, Revvity
Classification: Uncertain significance. Last evaluated: 2021-03-08. Review status: criteria provided, single submitter. Criteria: ACMG Guidelines, 2015. Collection method: clinical testing. Allele origin: germline.

Illumina Laboratory Services, Illumina
Classification: Uncertain significance for Glycogen storage disease, type II. Last evaluated: 2018-01-12. Review status: criteria provided, single submitter. Criteria: ICSL Variant Classification Criteria 13 December 2019. Collection method: clinical testing. Allele origin: germline.

Natera, Inc.
Classification: Uncertain significance for Glycogen storage disease type II. Last evaluated: 2019-11-11. Review status: no assertion criteria provided. Collection method: clinical testing. Allele origin: germline. Not counted in ClinVar's aggregate classification.